The following is an entry in ClinVar:

NM_000268.4(NF2):c.1469C>T (p.Pro490Leu)

Gene: NF2 (NF2, moesin-ezrin-radixin like (MERLIN) tumor suppressor; plus strand). Cytogenetic location: 22q12.2.
Variant type: single nucleotide variant.
Coding change: c.1469C>T on transcript NM_000268.4 (MANE Select); coding-DNA position 1469, C replaced by T.
Protein change: p.Pro490Leu; replaces proline 490 with leucine.
Molecular consequence: missense variant. On other transcripts: non-coding transcript variant (1), intron variant (1).
Genome position (GRCh38, 1-based): chr22:29,678,218, C>T. VCF-style: chr22-29678218-C-T. GRCh37 (hg19) VCF-style: chr22-30074207-C-T.
Other names: c.1469C>T, p.Pro490Leu (NM_016418.5, NM_181825.3, NM_181832.3); c.1343C>T, p.Pro448Leu (NM_181828.3); c.1346C>T, p.Pro449Leu (NM_181829.3); c.1220C>T, p.Pro407Leu (NM_181830.3, NM_181831.3); c.448-16534C>T (NM_181833.3); c.1469C>T (NM_181832.2); short protein forms P490L, P449L, P407L, P448L.
Identifiers: ClinVar variation 567951 (VCV000567951.18), dbSNP rs765100922, ClinGen allele CA031751.
Genomic context (GRCh38, chr22:29,678,218, plus strand): 5'-ATGACCCAAGCTCCTAATCCGAAATTTCTCATTAACAGCCCATGAACCCAATTCCAGCAC[C>T]GTTGCCTCCTGACATACCAAGCTTCAACCTCATTGGTGACAGCCTGTCTTTCGACTTCAA-3'
Protein context (NP_000259.1, residues 480-500): TYPPMNPIPA[Pro490Leu]LPPDIPSFNL

ClinVar aggregate classification (germline): Conflicting classifications of pathogenicity. Review status: criteria provided, conflicting classifications (1 of 4 stars). 6 submissions from 6 submitters: Uncertain significance (3); Likely benign (2). 1 of the submissions does not count toward it. Last evaluated 2026-02-04.

Conditions:
NF2-related disorder. Also called: NF2-related condition.
Hereditary cancer-predisposing syndrome. Also called: Tumor predisposition; Neoplastic Syndromes, Hereditary; Hereditary neoplastic syndrome; Hereditary Cancer Syndrome. Identifiers: Orphanet 140162, MedGen C0027672, MeSH D009386, MONDO:0015356.
Neurofibromatosis, type 2 (SWNV). Also called: NF2-Related Schwannomatosis; BILATERAL ACOUSTIC NEUROFIBROMATOSIS; SCHWANNOMATOSIS, VESTIBULAR. Identifiers: Orphanet 637, MedGen C0027832, MONDO:0007039, OMIM 101000. Disease mechanism: loss of function.

Allele frequency attached by ClinVar (database versions not stated): gnomAD exomes 0.00001 and 0.00002; TOPMed 0.00001; ExAC 0.00002; gnomAD 0.00001.
gnomAD v4.1: 13 of 1,614,014 alleles (0.00081%); highest among the groups gnomAD compares: Non-Finnish European, 0.00085%; no homozygotes.

Submissions (6):

Labcorp Genetics (formerly Invitae), Labcorp
Classification: Likely benign for Neurofibromatosis, type 2. Last evaluated: 2026-02-04. Review status: criteria provided, single submitter. Criteria: Invitae Variant Classification Sherloc (09022015). Collection method: clinical testing. Allele origin: germline.

Color Diagnostics, LLC DBA Color Health
Classification: Uncertain significance for Neurofibromatosis, type 2. Last evaluated: 2024-07-11. Review status: criteria provided, single submitter. Criteria: ACMG Guidelines, 2015. Collection method: clinical testing. Allele origin: germline.
Comment: This missense variant replaces proline with leucine at codon 490 of the NF2 protein. Computational prediction suggests that this variant may not impact protein structure and function. To our knowledge, functional studies have not been reported for this variant. This variant has not been reported in individuals affected with NF2-related disorders in the literature. This variant has been identified in 4/251496 chromosomes in the general population by the Genome Aggregation Database (gnomAD). The available evidence is insufficient to determine the role of this variant in disease conclusively. Therefore, this variant is classified as a Variant of Uncertain Significance.

Ambry Genetics
Classification: Likely benign for Hereditary cancer-predisposing syndrome. Last evaluated: 2022-03-23. Review status: criteria provided, single submitter. Criteria: Ambry Variant Classification Scheme 2023. Collection method: clinical testing. Allele origin: germline.

GeneDx
Classification: Uncertain significance. Last evaluated: 2022-03-17. Review status: criteria provided, single submitter. Criteria: GeneDx Variant Classification Process June 2021. Collection method: clinical testing. Allele origin: germline. Affected: yes.
Comment: In silico analysis supports that this missense variant does not alter protein structure/function; Has not been previously published as pathogenic or benign to our knowledge

Genome-Nilou Lab
Classification: Uncertain significance for Neurofibromatosis, type 2. Last evaluated: 2021-11-07. Review status: criteria provided, single submitter. Criteria: ACMG Guidelines, 2015. Collection method: clinical testing. Allele origin: germline. Affected: no.

PreventionGenetics, part of Exact Sciences
Classification: Uncertain significance for NF2-related condition. Last evaluated: 2024-07-26. Review status: no assertion criteria provided. Collection method: clinical testing. Allele origin: germline. Not counted in ClinVar's aggregate classification.
Comment: The NF2 c.1469C>T variant is predicted to result in the amino acid substitution p.Pro490Leu. To our knowledge, this variant has not been reported in the literature. This variant is reported in 0.0046% of alleles in individuals of European (Finnish) descent in gnomAD and has conflicting interpretations regarding its pathogenicity in ClinVar, ranging from likely benign to uncertain. At this time, the clinical significance of this variant is uncertain due to the absence of conclusive functional and genetic evidence.